The following is an entry in ClinVar:

NM_182746.3(MCM4):c.2537C>T (p.Ala846Val)

Gene: MCM4 (minichromosome maintenance complex component 4; plus strand). Cytogenetic location: 8q11.21.
Variant type: single nucleotide variant.
Coding change: c.2537C>T on transcript NM_182746.3 (MANE Select); coding-DNA position 2537, C replaced by T.
Protein change: p.Ala846Val; replaces alanine 846 with valine.
Molecular consequence: missense variant.
Genome position (GRCh38, 1-based): chr8:47,976,723, C>T. VCF-style: chr8-47976723-C-T. GRCh37 (hg19) VCF-style: chr8-48889283-C-T.
Other names: c.2537C>T, p.Ala846Val (NM_005914.4); short protein forms A846V.
Identifiers: ClinVar variation 2192623 (VCV002192623.4), dbSNP rs566436447, ClinGen allele CA4742958.

ClinVar aggregate classification (germline): Uncertain significance (1 of 4 stars; one submission).

Allele frequency attached by ClinVar (database versions not stated): gnomAD exomes below 0.00001; TOPMed 0.00001; ExAC 0.00002; gnomAD 0.00002; 1000 Genomes Project 30x 0.00016; 1000 Genomes Project 0.00020.

Submission:

Labcorp Genetics (formerly Invitae), Labcorp
Classification: Uncertain significance. Last evaluated: 2025-03-03. Review status: criteria provided, single submitter. Criteria: Invitae Variant Classification Sherloc (09022015). Collection method: clinical testing. Allele origin: germline.
Comment: This sequence change replaces alanine, which is neutral and non-polar, with valine, which is neutral and non-polar, at codon 846 of the MCM4 protein (p.Ala846Val). This variant is present in population databases (rs566436447, gnomAD 0.03%). This variant has not been reported in the literature in individuals affected with MCM4-related conditions. ClinVar contains an entry for this variant (Variation ID: 2192623). An algorithm developed to predict the effect of missense changes on protein structure and function (PolyPhen-2) suggests that this variant is likely to be tolerated. In summary, the available evidence is currently insufficient to determine the role of this variant in disease. Therefore, it has been classified as a Variant of Uncertain Significance.